The following is an entry in ClinVar:

NM_016562.4(TLR7):c.2617T>G (p.Phe873Val)

Gene: TLR7 (toll like receptor 7; plus strand). Cytogenetic location: Xp22.2.
Variant type: single nucleotide variant.
Coding change: c.2617T>G on transcript NM_016562.4 (MANE Select); coding-DNA position 2617, T replaced by G.
Protein change: p.Phe873Val; replaces phenylalanine 873 with valine.
Molecular consequence: missense variant.
Genome position (GRCh38, 1-based): chrX:12,888,125, T>G. VCF-style: chrX-12888125-T-G. GRCh37 (hg19) VCF-style: chrX-12906244-T-G.
Other names: short protein forms F873V.
Identifiers: ClinVar variation 3710941 (VCV003710941.2).
Genomic context (GRCh38, chrX:12,888,125, plus strand): 5'-CTCATGGTGATGATGACAGCAAGTCACCTCTATTTCTGGGATGTGTGGTATATTTACCAT[T>G]TCTGTAAGGCCAAGATAAAGGGGTATCAGCGTCTAATATCACCAGACTGTTGCTATGATG-3'
Protein context (NP_057646.1, residues 863-883): YFWDVWYIYH[Phe873Val]CKAKIKGYQR

ClinVar aggregate classification (germline): Uncertain significance (1 of 4 stars; one submission).

gnomAD v4.1: 13 of 1,209,965 alleles (0.0011%); highest among the groups gnomAD compares: African/African-American, 0.023%; no homozygotes.

Submission:

Labcorp Genetics (formerly Invitae), Labcorp
Classification: Uncertain significance. Last evaluated: 2025-03-26. Review status: criteria provided, single submitter. Criteria: Invitae Variant Classification Sherloc (09022015). Collection method: clinical testing. Allele origin: germline.
Comment: This sequence change replaces phenylalanine, which is neutral and non-polar, with valine, which is neutral and non-polar, at codon 873 of the TLR7 protein (p.Phe873Val). This variant is present in population databases (rs200040130, gnomAD 0.03%). This variant has not been reported in the literature in individuals affected with TLR7-related conditions. An algorithm developed to predict the effect of missense changes on protein structure and function (PolyPhen-2) suggests that this variant is likely to be disruptive. In summary, the available evidence is currently insufficient to determine the role of this variant in disease. Therefore, it has been classified as a Variant of Uncertain Significance.